The following is an entry in ClinVar:

ClinVar aggregate classification (germline): Uncertain significance. Review status: criteria provided, single submitter (1 of 4 stars). 2 submissions from 2 submitters: Uncertain significance (1). 1 of the submissions does not count toward it. Last evaluated 2024-10-08.

Conditions:
KANK1-related disorder. Also called: KANK1-related condition.

Allele frequency attached by ClinVar (database versions not stated): gnomAD 0.00001; gnomAD exomes 0.00001; TOPMed 0.00001.
gnomAD v4.1: 11 of 1,614,118 alleles (0.00068%); highest among the groups gnomAD compares: Middle Eastern, 0.017%; no homozygotes.

Submissions (2):

Labcorp Genetics (formerly Invitae), Labcorp
Classification: Uncertain significance. Last evaluated: 2024-10-08. Review status: criteria provided, single submitter. Criteria: Invitae Variant Classification Sherloc (09022015). Collection method: clinical testing. Allele origin: germline.
Comment: This sequence change replaces glycine, which is neutral and non-polar, with arginine, which is basic and polar, at codon 1045 of the KANK1 protein (p.Gly1045Arg). This variant is present in population databases (no rsID available, gnomAD 0.003%). This variant has not been reported in the literature in individuals affected with KANK1-related conditions. An algorithm developed to predict the effect of missense changes on protein structure and function (PolyPhen-2) suggests that this variant is likely to be tolerated. In summary, the available evidence is currently insufficient to determine the role of this variant in disease. Therefore, it has been classified as a Variant of Uncertain Significance.

PreventionGenetics, part of Exact Sciences
Classification: Uncertain significance for KANK1-related condition. Last evaluated: 2023-11-02. Review status: no assertion criteria provided. Collection method: clinical testing. Allele origin: germline. Not counted in ClinVar's aggregate classification.
Comment: The KANK1 c.3133G>A variant is predicted to result in the amino acid substitution p.Gly1045Arg. To our knowledge, this variant has not been reported in the literature. This variant is reported in 0.0029% of alleles in individuals of Latino descent in gnomAD. At this time, the clinical significance of this variant is uncertain due to the absence of conclusive functional and genetic evidence.

NM_015158.5(KANK1):c.3133G>A (p.Gly1045Arg)

Gene: KANK1 (KN motif and ankyrin repeat domains 1; plus strand). Cytogenetic location: 9p24.3.
Variant type: single nucleotide variant.
Coding change: c.3133G>A on transcript NM_015158.5 (MANE Select); coding-DNA position 3133, G replaced by A.
Protein change: p.Gly1045Arg; replaces glycine 1045 with arginine.
Molecular consequence: missense variant. On other transcripts: intron variant (5).
Genome position (GRCh38, 1-based): chr9:732,505, G>A. VCF-style: chr9-732505-G-A. GRCh37 (hg19) VCF-style: chr9-732505-G-A.
Other names: c.3133G>A, p.Gly1045Arg (NM_001256876.3, NM_001256877.3, NM_001354334.2); c.3079G>A, p.Gly1027Arg (NM_001354332.2); c.2659G>A, p.Gly887Arg (NM_001354333.2, NM_001354335.2, NM_001354337.2 and 2 more transcripts); c.2605G>A, p.Gly869Arg (NM_001354338.2, NM_001354340.2, NM_001354344.2); c.3005+1239G>A (NM_001354331.2); c.2477+1239G>A (NM_001354336.2); c.2531+1239G>A (NM_001354339.2, NM_001354343.2, NM_001354342.2); short protein forms G1027R, G1045R, G869R, G887R.
Identifiers: ClinVar variation 3049184 (VCV003049184.4), dbSNP rs1001834568, ClinGen allele CA187788376.
Genomic context (GRCh38, chr9:732,505, plus strand): 5'-TGTGATGTCATTGAGTATCCTCTTGAAGAAGAGGAGGAGGAGGAGGATGAAGACACTCGG[G>A]GAATGGCAGAAGGGCACCATGCAGTTAATATTGAAGGTTTGAAGTCTGCCAGGGTGGAAG-3'
Protein context (NP_055973.2, residues 1035-1055): EEEEEDEDTR[Gly1045Arg]MAEGHHAVNI